The following is an entry in ClinVar:

ClinVar aggregate classification (germline): Uncertain significance (1 of 4 stars; one submission).

Submission:

Labcorp Genetics (formerly Invitae), Labcorp
Classification: Uncertain significance. Last evaluated: 2020-03-10. Review status: criteria provided, single submitter. Criteria: Invitae Variant Classification Sherloc (09022015). Collection method: clinical testing. Allele origin: germline.
Comment: This sequence change replaces aspartic acid with glutamic acid at codon 2028 of the CEP250 protein (p.Asp2028Glu). The aspartic acid residue is weakly conserved and there is a small physicochemical difference between aspartic acid and glutamic acid. In summary, the available evidence is currently insufficient to determine the role of this variant in disease. Therefore, it has been classified as a Variant of Uncertain Significance. Algorithms developed to predict the effect of missense changes on protein structure and function output the following: SIFT: "Not Available"; PolyPhen-2: "Benign"; Align-GVGD: "Not Available". The glutamic acid amino acid residue is found in multiple mammalian species, suggesting that this missense change does not adversely affect protein function. These predictions have not been confirmed by published functional studies and their clinical significance is uncertain. This variant has not been reported in the literature in individuals with CEP250-related conditions. This variant is not present in population databases (ExAC no frequency).

NM_007186.6(CEP250):c.6084C>G (p.Asp2028Glu)

Gene: CEP250 (centrosomal protein 250; plus strand). Cytogenetic location: 20q11.22.
Variant type: single nucleotide variant.
Coding change: c.6084C>G on transcript NM_007186.6 (MANE Select); coding-DNA position 6084, C replaced by G.
Protein change: p.Asp2028Glu; replaces aspartic acid 2028 with glutamic acid.
Molecular consequence: missense variant.
Genome position (GRCh38, 1-based): chr20:35,504,453, C>G. VCF-style: chr20-35504453-C-G. GRCh37 (hg19) VCF-style: chr20-34092281-C-G.
Other names: c.4188C>G, p.Asp1396Glu (NM_001318219.1); short protein forms D1396E, D2028E.
Identifiers: ClinVar variation 1061351 (VCV001061351.7), dbSNP rs2147173106, ClinGen allele CA408755912.
Genomic context (GRCh38, chr20:35,504,453, plus strand): 5'-CCAGGCACACAGTCGGCAGCTGGAGGAGGCTCTGAGGATACAAGAAGGTGAGATCCAGGA[C>G]CAGGATCTCCGATACCAGGAGGATGTGCAGCAGCTGCAGCAGGCACTTGCCCAGAGGGAT-3'
Protein context (NP_009117.2, residues 2018-2038): ALRIQEGEIQ[Asp2028Glu]QDLRYQEDVQ